The following is an entry in ClinVar:

ClinVar aggregate classification (germline): Uncertain significance (0 of 4 stars; one submission).

Conditions:
SEMA3C-related disorder. Also called: SEMA3C-related condition.

gnomAD v4.1: 8 of 1,600,420 alleles (0.0005%); highest among the groups gnomAD compares: East Asian, 0.0022%; no homozygotes.

Submission:

PreventionGenetics, part of Exact Sciences
Classification: Uncertain significance for SEMA3C-related condition. Last evaluated: 2024-07-23. Review status: no assertion criteria provided. Collection method: clinical testing. Allele origin: germline.
Comment: The SEMA3C c.1174C>T variant is predicted to result in the amino acid substitution p.Arg392Cys. To our knowledge, this variant has not been reported in the literature or in a large population database, indicating this variant is rare. At this time, the clinical significance of this variant is uncertain due to the absence of conclusive functional and genetic evidence.

NM_006379.5(SEMA3C):c.1120C>T (p.Arg374Cys)

Gene: SEMA3C (semaphorin 3C; minus strand). Cytogenetic location: 7q21.11.
Variant type: single nucleotide variant.
Coding change: c.1120C>T on transcript NM_006379.5 (MANE Select); coding-DNA position 1120, C replaced by T.
Protein change: p.Arg374Cys; replaces arginine 374 with cysteine.
Molecular consequence: missense variant.
Genome position (GRCh38, 1-based): chr7:80,798,103, G>A on the plus strand (C>T on the coding strand, the complement: SEMA3C is on the minus strand). VCF-style: chr7-80798103-G-A. GRCh37 (hg19) VCF-style: chr7-80427419-G-A.
Other names: c.1174C>T, p.Arg392Cys (NM_001350120.2); c.946C>T, p.Arg316Cys (NM_001350121.2); short protein forms R316C, R374C, R392C.
Identifiers: ClinVar variation 3357458 (VCV003357458.1).
Genomic context (GRCh38, chr7:80,798,103, plus strand): 5'-ATGAGTTTTTATAAAGCATCATAACAAAGAATTTTCCCTGGATACTTACAGTTCCAGGGC[G>A]AGGATATGGAATTCTGCCCTGATAGGAAATCAGCTGATGATTGGGCCCTTCTTTGTGGGC-3'
Protein context (NP_006370.1, residues 364-384): ISYQGRIPYP[Arg374Cys]PGTCPGGAFT